The following is an entry in ClinVar:

NM_004006.3(DMD):c.2760_2761del (p.Gln920fs)

Gene: DMD (dystrophin; minus strand). Cytogenetic location: Xp21.1.
Variant type: Deletion.
Coding change: c.2760_2761del on transcript NM_004006.3 (MANE Select); coding-DNA positions 2760 to 2761, 2 bases deleted (AG; older notation c.2760_2761delAG).
Protein change: p.Gln920fs; shifts the reading frame from glutamine 920.
Molecular consequence: frameshift variant.
Genome position (GRCh38, 1-based): chrX:32,484,961-32,484,962, CT deleted on the plus strand (AG on the coding strand, the reverse complement: DMD is on the minus strand). VCF-style (leftmost placement, unchanged base first): chrX-32484960-ACT-A. GRCh37 (hg19) VCF-style: chrX-32503077-ACT-A.
Other names: c.2736_2737del, p.Gln912fs (NM_000109.4); c.2748_2749del, p.Gln916fs (NM_004009.3); c.2391_2392del, p.Gln797fs (NM_004010.3); short protein forms Q797fs, Q912fs, Q916fs, Q920fs.
Identifiers: ClinVar variation 1073692 (VCV001073692.7), dbSNP rs2148582964, ClinGen allele CA2499226651.

ClinVar aggregate classification (germline): Pathogenic (1 of 4 stars; one submission).

Conditions:
Duchenne muscular dystrophy (DMD). Also called: MUSCULAR DYSTROPHY, PSEUDOHYPERTROPHIC PROGRESSIVE, DUCHENNE TYPE; Duchenne Muscular Dystrophy (DMD). Identifiers: Orphanet 98896, MedGen C0013264, MONDO:0010679, OMIM 310200.

Submission:

Labcorp Genetics (formerly Invitae), Labcorp
Classification: Pathogenic for Duchenne muscular dystrophy. Last evaluated: 2020-04-05. Review status: criteria provided, single submitter. Criteria: Invitae Variant Classification Sherloc (09022015). Collection method: clinical testing. Allele origin: germline.
Comment: For these reasons, this variant has been classified as Pathogenic. Loss-of-function variants in DMD are known to be pathogenic (PMID: 16770791, 25007885). This variant has not been reported in the literature in individuals with DMD-related conditions. This variant is not present in population databases (ExAC no frequency). This sequence change creates a premature translational stop signal (p.Gln920Hisfs*4) in the DMD gene. It is expected to result in an absent or disrupted protein product.

Literature cited by the submitters: PubMed 16770791; PubMed 25007885.